The following is an entry in ClinVar:

NM_023936.2(MRPS34):c.365-26T>G

Gene: MRPS34 (mitochondrial ribosomal protein S34; minus strand). Cytogenetic location: 16p13.3.
Variant type: single nucleotide variant.
Coding change: c.365-26T>G on transcript NM_023936.2 (MANE Select); 26 bases into the intron before coding-DNA position 365, T replaced by G.
Molecular consequence: intron variant.
Genome position (GRCh38, 1-based): chr16:1,772,539, A>C on the plus strand (T>G on the coding strand, the complement: MRPS34 is on the minus strand). VCF-style: chr16-1772539-A-C. GRCh37 (hg19) VCF-style: chr16-1822540-A-C.
Other names: c.365-5T>G (NM_001300900.2).
Identifiers: ClinVar variation 3051812 (VCV003051812.2), dbSNP rs773976375, ClinGen allele CA7818367.

ClinVar aggregate classification (germline): Likely benign (0 of 4 stars; one submission).

Conditions:
MRPS34-related disorder. Also called: MRPS34-related condition.

Allele frequency attached by ClinVar (database versions not stated): ExAC 0.00001; gnomAD exomes 0.00001; gnomAD 0.00012; TOPMed 0.00012.

Submission:

PreventionGenetics, part of Exact Sciences
Classification: Likely benign for MRPS34-related condition. Last evaluated: 2020-02-10. Review status: no assertion criteria provided. Collection method: clinical testing. Allele origin: germline.
Comment: This variant is classified as likely benign based on ACMG/AMP sequence variant interpretation guidelines (Richards et al. 2015 PMID: 25741868, with internal and published modifications).